The following is an entry in ClinVar:

ClinVar aggregate classification (germline): Uncertain significance (1 of 4 stars; one submission).

Conditions:
Acromesomelic dysplasia 1, Maroteaux type (AMD1). Also called: ST. HELENA DYSPLASIA; ACROMESOMELIC DYSPLASIA 1. Identifiers: Orphanet 40, MedGen C1864356, MONDO:0011275, OMIM 602875.
Tall stature-scoliosis-macrodactyly of the great toes syndrome. Also called: Epiphyseal chondrodysplasia, miura type. Identifiers: Orphanet 329191, MedGen C4014690, MONDO:0014401, OMIM 615923.

gnomAD v4.1: 5 of 1,600,174 alleles (0.00031%); highest among the groups gnomAD compares: East Asian, 0.0022%; no homozygotes.

Submission:

Labcorp Genetics (formerly Invitae), Labcorp
Classification: Uncertain significance for Tall stature-scoliosis-macrodactyly of the great toes syndrome; Acromesomelic dysplasia 1, Maroteaux type. Last evaluated: 2025-06-29. Review status: criteria provided, single submitter. Criteria: Invitae Variant Classification Sherloc (09022015). Collection method: clinical testing. Allele origin: germline.
Comment: This sequence change replaces lysine, which is basic and polar, with glutamic acid, which is acidic and polar, at codon 629 of the NPR2 protein (p.Lys629Glu). This variant is not present in population databases (gnomAD no frequency). This variant has not been reported in the literature in individuals affected with NPR2-related conditions. ClinVar contains an entry for this variant (Variation ID: 3753118). An algorithm developed to predict the effect of missense changes on protein structure and function (PolyPhen-2) suggests that this variant is likely to be disruptive. In summary, the available evidence is currently insufficient to determine the role of this variant in disease. Therefore, it has been classified as a Variant of Uncertain Significance.

NM_003995.4(NPR2):c.1885A>G (p.Lys629Glu)

Gene: NPR2 (natriuretic peptide receptor 2; plus strand). Cytogenetic location: 9p13.3.
Variant type: single nucleotide variant.
Coding change: c.1885A>G on transcript NM_003995.4 (MANE Select); coding-DNA position 1885, A replaced by G.
Protein change: p.Lys629Glu; replaces lysine 629 with glutamic acid.
Molecular consequence: missense variant.
Genome position (GRCh38, 1-based): chr9:35,802,801, A>G. VCF-style: chr9-35802801-A-G. GRCh37 (hg19) VCF-style: chr9-35802798-A-G.
Other names: c.1894A>G, p.Lys632Glu (NM_001378923.1); short protein forms K629E, K632E.
Identifiers: ClinVar variation 3753118 (VCV003753118.2).